The following is an entry in ClinVar:

NM_001457.4(FLNB):c.3287C>T (p.Ser1096Phe)

Gene: FLNB (filamin B; plus strand). Cytogenetic location: 3p14.3.
Variant type: single nucleotide variant.
Coding change: c.3287C>T on transcript NM_001457.4 (MANE Select); coding-DNA position 3287, C replaced by T.
Protein change: p.Ser1096Phe; replaces serine 1096 with phenylalanine.
Molecular consequence: missense variant.
Genome position (GRCh38, 1-based): chr3:58,123,253, C>T. VCF-style: chr3-58123253-C-T. GRCh37 (hg19) VCF-style: chr3-58108980-C-T.
Other names: c.3287C>T, p.Ser1096Phe (NM_001164317.2, NM_001164318.2, NM_001164319.2); short protein forms S1096F.
Identifiers: ClinVar variation 902265 (VCV000902265.10), dbSNP rs749249092, ClinGen allele CA2468377.

ClinVar aggregate classification (germline): Uncertain significance. Review status: criteria provided, multiple submitters, no conflicts (2 of 4 stars). 3 submissions from 3 submitters: Uncertain significance (3). Last evaluated 2024-09-11.

Conditions:
FLNB-Related Spectrum Disorders.
Inborn genetic diseases. Identifiers: MedGen C0950123, MeSH D030342.

Allele frequency attached by ClinVar (database versions not stated): gnomAD exomes 0.00001; ExAC 0.00002.

Submissions (3):

Ambry Genetics
Classification: Uncertain significance for Inborn genetic diseases. Last evaluated: 2024-09-11. Review status: criteria provided, single submitter. Criteria: Ambry Variant Classification Scheme 2023. Collection method: clinical testing. Allele origin: germline.

Labcorp Genetics (formerly Invitae), Labcorp
Classification: Uncertain significance. Last evaluated: 2021-08-31. Review status: criteria provided, single submitter. Criteria: Invitae Variant Classification Sherloc (09022015). Collection method: clinical testing. Allele origin: germline.
Comment: In summary, the available evidence is currently insufficient to determine the role of this variant in disease. Therefore, it has been classified as a Variant of Uncertain Significance. Algorithms developed to predict the effect of missense changes on protein structure and function (SIFT, PolyPhen-2, Align-GVGD) all suggest that this variant is likely to be disruptive. ClinVar contains an entry for this variant (Variation ID: 902265). This variant has not been reported in the literature in individuals affected with FLNB-related conditions. This variant is present in population databases (rs749249092, ExAC 0.006%). This sequence change replaces serine with phenylalanine at codon 1096 of the FLNB protein (p.Ser1096Phe). The serine residue is highly conserved and there is a large physicochemical difference between serine and phenylalanine.

Illumina Laboratory Services, Illumina
Classification: Uncertain significance for FLNB-Related Spectrum Disorders. Last evaluated: 2018-01-13. Review status: criteria provided, single submitter. Criteria: ICSL Variant Classification Criteria 13 December 2019. Collection method: clinical testing. Allele origin: germline.